The following is an entry in ClinVar:

NM_014339.7(IL17RA):c.1749C>G (p.Asp583Glu)

Gene: IL17RA (interleukin 17 receptor A; plus strand). Cytogenetic location: 22q11.1.
Variant type: single nucleotide variant.
Coding change: c.1749C>G on transcript NM_014339.7 (MANE Select); coding-DNA position 1749, C replaced by G.
Protein change: p.Asp583Glu; replaces aspartic acid 583 with glutamic acid.
Molecular consequence: missense variant.
Genome position (GRCh38, 1-based): chr22:17,108,968, C>G. VCF-style: chr22-17108968-C-G. GRCh37 (hg19) VCF-style: chr22-17589858-C-G.
Other names: c.1647C>G, p.Asp549Glu (NM_001289905.2); c.1749C>G (NM_014339.5); short protein forms D549E, D583E.
Identifiers: ClinVar variation 655697 (VCV000655697.10), dbSNP rs770168313, ClinGen allele CA10086849.

ClinVar aggregate classification (germline): Uncertain significance. Review status: criteria provided, multiple submitters, no conflicts (2 of 4 stars). 3 submissions from 3 submitters: Uncertain significance (3). Last evaluated 2025-04-12.

Conditions:
Immunodeficiency 51 (IMD51). Also called: CANDIDIASIS, FAMILIAL, 5. Identifiers: Orphanet 1334, MedGen C4310803, MONDO:0013500, OMIM 613953.

Allele frequency attached by ClinVar (database versions not stated): gnomAD exomes 0.00002.
gnomAD v4.1: 27 of 1,606,098 alleles (0.0017%); highest among the groups gnomAD compares: Admixed American, 0.005%; no homozygotes.

Submissions (3):

Ambry Genetics
Classification: Uncertain significance. Last evaluated: 2025-04-12. Review status: criteria provided, single submitter. Criteria: Ambry Variant Classification Scheme 2023. Collection method: clinical testing. Allele origin: germline.

Labcorp Genetics (formerly Invitae), Labcorp
Classification: Uncertain significance for Immunodeficiency 51. Last evaluated: 2022-05-19. Review status: criteria provided, single submitter. Criteria: Invitae Variant Classification Sherloc (09022015). Collection method: clinical testing. Allele origin: germline.
Comment: This sequence change replaces aspartic acid, which is acidic and polar, with glutamic acid, which is acidic and polar, at codon 583 of the IL17RA protein (p.Asp583Glu). This variant is present in population databases (rs770168313, gnomAD 0.006%). This variant has not been reported in the literature in individuals affected with IL17RA-related conditions. ClinVar contains an entry for this variant (Variation ID: 655697). Algorithms developed to predict the effect of missense changes on protein structure and function (SIFT, PolyPhen-2, Align-GVGD) all suggest that this variant is likely to be disruptive. In summary, the available evidence is currently insufficient to determine the role of this variant in disease. Therefore, it has been classified as a Variant of Uncertain Significance.

Illumina Laboratory Services, Illumina
Classification: Uncertain significance for Immunodeficiency 51. Last evaluated: 2018-01-12. Review status: criteria provided, single submitter. Criteria: ICSL Variant Classification Criteria 13 December 2019. Collection method: clinical testing. Allele origin: germline.